The following is an entry in ClinVar:

ClinVar aggregate classification (germline): Uncertain significance (1 of 4 stars; one submission).

Submission:

GeneDx
Classification: Uncertain significance. Last evaluated: 2024-05-23. Review status: criteria provided, single submitter. Criteria: GeneDx Variant Classification Process June 2021. Collection method: clinical testing. Allele origin: germline. Affected: yes.
Comment: Not observed at significant frequency in large population cohorts (gnomAD); In silico analysis supports that this missense variant has a deleterious effect on protein structure/function; Has not been previously published as pathogenic or benign to our knowledge

NM_004500.4(HNRNPC):c.465G>T (p.Arg155Ser)

Gene: HNRNPC (heterogeneous nuclear ribonucleoprotein C; minus strand). Cytogenetic location: 14q11.2.
Variant type: single nucleotide variant.
Coding change: c.465G>T on transcript NM_004500.4 (MANE Select); coding-DNA position 465, G replaced by T.
Protein change: p.Arg155Ser; replaces arginine 155 with serine.
Molecular consequence: missense variant.
Genome position (GRCh38, 1-based): chr14:21,213,018, C>A on the plus strand (G>T on the coding strand, the complement: HNRNPC is on the minus strand). VCF-style: chr14-21213018-C-A. GRCh37 (hg19) VCF-style: chr14-21681177-C-A.
Other names: c.504G>T, p.Arg168Ser (NM_001077442.2, NM_031314.3); c.465G>T, p.Arg155Ser (NM_001077443.2); short protein forms R155S, R168S.
Identifiers: ClinVar variation 3381337 (VCV003381337.1).